The following is an entry in ClinVar:

NM_001378454.1(ALMS1):c.40G>A (p.Glu14Lys)

Gene: ALMS1 (ALMS1 centrosome and basal body associated protein; plus strand). Cytogenetic location: 2p13.1.
Variant type: single nucleotide variant.
Coding change: c.40G>A on transcript NM_001378454.1 (MANE Select); coding-DNA position 40, G replaced by A.
Protein change: p.Glu14Lys; replaces glutamic acid 14 with lysine.
Molecular consequence: missense variant.
Genome position (GRCh38, 1-based): chr2:73,385,908, G>A. VCF-style: chr2-73385908-G-A. GRCh37 (hg19) VCF-style: chr2-73613036-G-A.
Other names: c.43G>A, p.Glu15Lys (NM_015120.4); short protein forms E14K, E15K.
Identifiers: ClinVar variation 1740316 (VCV001740316.2), dbSNP rs2465969974, ClinGen allele CA347250462.
Genomic context (GRCh38, chr2:73,385,908, plus strand): 5'-CGCCCAGAGCGAGACACCAACATGGAGCCCGAGGATCTGCCATGGCCGGGCGAGCTGGAG[G>A]AGGAGGAGGAGGAGGAGGAGGAGGAGGAGGAGGAAGAGGAGGAGGCTGCAGCGGCGGCGG-3'
Protein context (NP_001365383.1, residues 4-24): EDLPWPGELE[Glu14Lys]EEEEEEEEEE

ClinVar aggregate classification (germline): Uncertain significance (1 of 4 stars; one submission).

Conditions:
Cardiovascular phenotype. Identifiers: MedGen CN230736.

Allele frequency attached by ClinVar (database versions not stated): gnomAD exomes below 0.00001.
gnomAD v4.1: 1 of 347,786 alleles (0.00029%); highest among the groups gnomAD compares: Non-Finnish European, 0.00047%; no homozygotes.

Submission:

Ambry Genetics
Classification: Uncertain significance for Cardiovascular phenotype. Last evaluated: 2021-04-30. Review status: criteria provided, single submitter. Criteria: Ambry Variant Classification Scheme 2023. Collection method: clinical testing. Allele origin: germline.
Comment: The p.E15K variant (also known as c.43G>A), located in coding exon 1 of the ALMS1 gene, results from a G to A substitution at nucleotide position 43. The glutamic acid at codon 15 is replaced by lysine, an amino acid with similar properties. This amino acid position is highly conserved in available vertebrate species. In addition, the in silico prediction for this alteration is inconclusive. Since supporting evidence is limited at this time, the clinical significance of this alteration remains unclear.